The following is an entry in ClinVar:

ClinVar aggregate classification (germline): Likely benign. Review status: criteria provided, single submitter (1 of 4 stars). 2 submissions from 2 submitters: Likely benign (1). 1 of the submissions does not count toward it. Last evaluated 2025-03-07.

Conditions:
GUCY2C-related disorder. Also called: GUCY2C-related condition.

gnomAD v4.1: 10 of 1,613,080 alleles (0.00062%); highest among the groups gnomAD compares: Admixed American, 0.0017%; no homozygotes.

Submissions (2):

Labcorp Genetics (formerly Invitae), Labcorp
Classification: Likely benign. Last evaluated: 2025-03-07. Review status: criteria provided, single submitter. Criteria: Invitae Variant Classification Sherloc (09022015). Collection method: clinical testing. Allele origin: germline.

PreventionGenetics, part of Exact Sciences
Classification: Likely benign for GUCY2C-related condition. Last evaluated: 2024-05-30. Review status: no assertion criteria provided. Collection method: clinical testing. Allele origin: germline. Not counted in ClinVar's aggregate classification.
Comment: This variant is classified as likely benign based on ACMG/AMP sequence variant interpretation guidelines (Richards et al. 2015 PMID: 25741868, with internal and published modifications).

NM_004963.4(GUCY2C):c.2622G>A (p.Ala874=)

Gene: GUCY2C (guanylate cyclase 2C; minus strand). Cytogenetic location: 12p12.3.
Variant type: single nucleotide variant.
Coding change: c.2622G>A on transcript NM_004963.4 (MANE Select); coding-DNA position 2622, G replaced by A.
Protein change: p.Ala874=; no amino-acid change (alanine 874 retained).
Molecular consequence: synonymous variant.
Genome position (GRCh38, 1-based): chr12:14,621,196, C>T on the plus strand (G>A on the coding strand, the complement: GUCY2C is on the minus strand). VCF-style: chr12-14621196-C-T. GRCh37 (hg19) VCF-style: chr12-14774130-C-T.
Identifiers: ClinVar variation 3352821 (VCV003352821.2).